The following is an entry in ClinVar:

ClinVar aggregate classification (germline): Pathogenic, low penetrance (1 of 4 stars; one submission).

Conditions:
CFI-related disorder. Also called: CFI-related condition; CFI-related disorders. Identifiers: MedGen CN239325.

Submission:

Genomenon, Inc
Classification: Pathogenic, low penetrance for CFI-related disorder. Last evaluated: 2025-09-26. Review status: criteria provided, single submitter. Criteria: Genomenon Sequence Variant Interpretation Standards - Updated. Collection method: curation. Allele origin: germline. Affected: yes.
Comment: CFI p.Glu305Ter (c.913G>T) is a nonsense variant that introduces a premature stop codon at amino acid position 305, creating a truncated protein that is predicted to undergo nonsense-mediated mRNA decay. This variant has been observed in at least one proband affected with complement factor I deficiency (PMID:17089378). At least one functional study has demonstrated a substantial alteration in protein function relative to the wild-type (PMID:32510551). It is absent or not present at a significant frequency in gnomAD. In conclusion, we classify CFI p.Glu305Ter (c.913G>T) as a pathogenic, low penetrance variant.

Literature cited by the submitters: PubMed 17089378; 32510551.

NM_000204.5(CFI):c.913G>T (p.Glu305Ter)

Gene: CFI (complement factor I; minus strand). Cytogenetic location: 4q25.
Variant type: single nucleotide variant.
Coding change: c.913G>T on transcript NM_000204.5 (MANE Select); coding-DNA position 913, G replaced by T.
Protein change: p.Glu305Ter; replaces glutamic acid 305 with a stop codon.
Molecular consequence: nonsense. On other transcripts: non-coding transcript variant (3), intron variant (1).
Genome position (GRCh38, 1-based): chr4:109,752,495, C>A on the plus strand (G>T on the coding strand, the complement: CFI is on the minus strand). VCF-style: chr4-109752495-C-A. GRCh37 (hg19) VCF-style: chr4-110673651-C-A.
Other names: c.937G>T, p.Glu313Ter (NM_001318057.2, NM_001375278.1, NM_001440988.1); c.892G>T, p.Glu298Ter (NM_001331035.2, NM_001375280.1, NM_001375282.1 and 1 more transcripts); c.913G>T, p.Glu305Ter (NM_001375279.1, NM_001375281.1, NM_001440989.1); c.304G>T, p.Glu102Ter (NM_001375284.1); c.934G>T, p.Glu312Ter (NM_001440985.1, NM_001440986.1); c.884-2893G>T (NM_001375283.1); short protein forms E102*, E298*, E305*, E312*, E313*.
Identifiers: ClinVar variation 4280570 (VCV004280570.1).